The following is an entry in ClinVar:

ClinVar aggregate classification (germline): Uncertain significance (1 of 4 stars; one submission).

Conditions:
Cardiovascular phenotype. Identifiers: MedGen CN230736.
Hereditary cancer-predisposing syndrome. Also called: Neoplastic Syndromes, Hereditary; Tumor predisposition; Hereditary Cancer Syndrome; Hereditary neoplastic syndrome. Identifiers: Orphanet 140162, MedGen C0027672, MeSH D009386, MONDO:0015356.

Submission:

Ambry Genetics
Classification: Uncertain significance for Cardiovascular phenotype; Hereditary cancer-predisposing syndrome. Last evaluated: 2026-03-20. Review status: criteria provided, single submitter. Criteria: Ambry Variant Classification Scheme 2023. Collection method: clinical testing. Allele origin: germline.
Comment: The c.6085-3C>T intronic variant results from a C to T substitution 3 nucleotides upstream from coding exon 41 in the NF1 gene. This nucleotide position is not well conserved in available vertebrate species. In silico splice site analysis for this alteration is inconclusive. Based on the available evidence, the clinical significance of this variant remains unclear.

NM_001042492.3(NF1):c.6148-3C>T

Gene: NF1 (neurofibromin 1; plus strand). Cytogenetic location: 17q11.2.
Variant type: single nucleotide variant.
Coding change: c.6148-3C>T on transcript NM_001042492.3 (MANE Select); 3 bases into the intron before coding-DNA position 6148, C replaced by T.
Molecular consequence: intron variant.
Genome position (GRCh38, 1-based): chr17:31,336,632, C>T. VCF-style: chr17-31336632-C-T. GRCh37 (hg19) VCF-style: chr17-29663650-C-T.
Other names: c.6085-3C>T (NM_000267.4).
Identifiers: ClinVar variation 4860866 (VCV004860866.1).